The following is an entry in ClinVar:

ClinVar aggregate classification (germline): Pathogenic (1 of 4 stars; one submission).

Submission:

GeneDx
Classification: Pathogenic. Last evaluated: 2024-02-29. Review status: criteria provided, single submitter. Criteria: GeneDx Variant Classification Process June 2021. Collection method: clinical testing. Allele origin: germline. Affected: yes.
Comment: Nonsense variant predicted to result in protein truncation or nonsense mediated decay in a gene for which loss of function is a known mechanism of disease; Not observed at significant frequency in large population cohorts (gnomAD); Has not been previously published as pathogenic or benign to our knowledge

NM_001111125.3(IQSEC2):c.1863T>G (p.Tyr621Ter)

Gene: IQSEC2 (IQ motif and Sec7 domain ArfGEF 2; minus strand). Cytogenetic location: Xp11.22.
Variant type: single nucleotide variant.
Coding change: c.1863T>G on transcript NM_001111125.3 (MANE Select); coding-DNA position 1863, T replaced by G.
Protein change: p.Tyr621Ter; replaces tyrosine 621 with a stop codon.
Molecular consequence: nonsense.
Genome position (GRCh38, 1-based): chrX:53,250,713, A>C on the plus strand (T>G on the coding strand, the complement: IQSEC2 is on the minus strand). VCF-style: chrX-53250713-A-C. GRCh37 (hg19) VCF-style: chrX-53279895-A-C.
Other names: c.1863T>G, p.Tyr621Ter (NM_001410736.1); c.1248T>G, p.Tyr416Ter (NM_015075.2); short protein forms Y416*, Y621*.
Identifiers: ClinVar variation 3369903 (VCV003369903.1).